The following is an entry in ClinVar:

ClinVar aggregate classification (germline): Pathogenic (1 of 4 stars; one submission).

Conditions:
LAMA2-related muscular dystrophy (LAMA2-RD). Also called: Laminin alpha 2-related dystrophy. Identifiers: MedGen C5679788, MONDO:0100228.

Submission:

Labcorp Genetics (formerly Invitae), Labcorp
Classification: Pathogenic for LAMA2-related muscular dystrophy. Last evaluated: 2021-07-30. Review status: criteria provided, single submitter. Criteria: Invitae Variant Classification Sherloc (09022015). Collection method: clinical testing. Allele origin: germline.
Comment: This sequence change creates a premature translational stop signal (p.Tyr2894*) in the LAMA2 gene. It is expected to result in an absent or disrupted protein product. Loss-of-function variants in LAMA2 are known to be pathogenic (PMID: 18700894). This variant is not present in population databases (ExAC no frequency). This variant has not been reported in the literature in individuals affected with LAMA2-related conditions. Algorithms developed to predict the effect of sequence changes on RNA splicing suggest that this variant may create or strengthen a splice site. For these reasons, this variant has been classified as Pathogenic.

Literature cited by the submitters: PubMed 18700894.

NM_000426.4(LAMA2):c.8682C>G (p.Tyr2894Ter)

Gene: LAMA2 (laminin subunit alpha 2; plus strand). Cytogenetic location: 6q22.33.
Variant type: single nucleotide variant.
Coding change: c.8682C>G on transcript NM_000426.4 (MANE Select); coding-DNA position 8682, C replaced by G.
Protein change: p.Tyr2894Ter; replaces tyrosine 2894 with a stop codon.
Molecular consequence: nonsense.
Genome position (GRCh38, 1-based): chr6:129,505,334, C>G. VCF-style: chr6-129505334-C-G. GRCh37 (hg19) VCF-style: chr6-129826479-C-G.
Other names: c.8670C>G, p.Tyr2890Ter (NM_001079823.2); short protein forms Y2890*, Y2894*.
Identifiers: ClinVar variation 1458105 (VCV001458105.1), dbSNP rs2114901162, ClinGen allele CA365635015.
Genomic context (GRCh38, chr6:129,505,334, plus strand): 5'-AAAAGCCGACATCCTGGATGTCGTGGGAATGCTGTATGTTGGTGGGTTACCCATCAACTA[C>G]ACTACCCGAAGAATTGGTCCAGTAAATATCTGATTTCTTCTTTATTACTTAAATATATGG-3'